The following is an entry in ClinVar:

ClinVar aggregate classification (germline): Pathogenic. Review status: criteria provided, single submitter (1 of 4 stars). 2 submissions from 2 submitters: Pathogenic (1). 1 of the submissions does not count toward it. Last evaluated 2019-04-10.

Conditions:
Primary pulmonary hypertension. Also called: Idiopathic pulmonary hypertension. Identifiers: MedGen C0152171.
Pulmonary hypertension, primary, 1 (PPH1). Also called: Pulmonary hypertension, familial primary, 1, with or without HHT. Identifiers: Orphanet 422, MedGen C4552070, MONDO:0024533, OMIM 178600.

Submissions (2):

Labcorp Genetics (formerly Invitae), Labcorp
Classification: Pathogenic for Primary pulmonary hypertension. Last evaluated: 2019-04-10. Review status: criteria provided, single submitter. Criteria: Invitae Variant Classification Sherloc (09022015). Collection method: clinical testing. Allele origin: germline.
Comment: This sequence change creates a premature translational stop signal (p.Tyr67*) in the BMPR2 gene. It is expected to result in an absent or disrupted protein product. This variant is not present in population databases (ExAC no frequency). This variant has been observed in individuals affected with pulmonary arterial hypertension (PMID: 18503968 , 19555857). ClinVar contains an entry for this variant (Variation ID: 425721). Loss-of-function variants in BMPR2 are known to be pathogenic (PMID: 16429395). For these reasons, this variant has been classified as Pathogenic.

Rare Disease Genomics Group, St George's University of London
Classification: Pathogenic for Primary pulmonary hypertension. Review status: no assertion criteria provided. Collection method: literature only. Allele origin: germline. Affected: yes. Not counted in ClinVar's aggregate classification.

Literature cited by the submitters: PubMed 18503968 (cited by Labcorp Genetics (formerly Invitae), Labcorp); PubMed 19555857 (cited by Labcorp Genetics (formerly Invitae), Labcorp and Rare Disease Genomics Group, St George's University of London); PubMed 16429395 (cited by Labcorp Genetics (formerly Invitae), Labcorp).

NM_001204.7(BMPR2):c.201T>G (p.Tyr67Ter)

Gene: BMPR2 (bone morphogenetic protein receptor type 2; plus strand). Cytogenetic location: 2q33.1.
Variant type: single nucleotide variant.
Coding change: c.201T>G on transcript NM_001204.7 (MANE Select); coding-DNA position 201, T replaced by G.
Protein change: p.Tyr67Ter; replaces tyrosine 67 with a stop codon.
Molecular consequence: nonsense.
Genome position (GRCh38, 1-based): chr2:202,464,933, T>G. VCF-style: chr2-202464933-T-G. GRCh37 (hg19) VCF-style: chr2-203329656-T-G.
Other names: c.201T>G, p.Y67* (LRG_712t1); short protein forms Y67*.
Identifiers: ClinVar variation 425721 (VCV000425721.10), dbSNP rs1085307179, ClinGen allele CA350399387.